The following is an entry in ClinVar:

NM_002439.5(MSH3):c.474G>C (p.Glu158Asp)

Gene: MSH3 (mutS homolog 3; plus strand). Cytogenetic location: 5q14.1.
Variant type: single nucleotide variant.
Coding change: c.474G>C on transcript NM_002439.5 (MANE Select); coding-DNA position 474, G replaced by C.
Protein change: p.Glu158Asp; replaces glutamic acid 158 with aspartic acid.
Molecular consequence: missense variant.
Genome position (GRCh38, 1-based): chr5:80,665,258, G>C. VCF-style: chr5-80665258-G-C. GRCh37 (hg19) VCF-style: chr5-79961077-G-C.
Other names: short protein forms E158D.
Identifiers: ClinVar variation 1742834 (VCV001742834.6), dbSNP rs776922419, ClinGen allele CA360263689.
Genomic context (GRCh38, chr5:80,665,258, plus strand): 5'-AGAATTCTGCTGCGATTCTGCCCTTCCTCAAAGTAGAGTCCAGACAGAATCTCTGCAGGA[G>C]AGATTTGCAGTTCTGCCAAAATGTACTGATTTTGATGATATCAGTCTTCTACACGCAAAG-3'
Protein context (NP_002430.3, residues 148-168): QSRVQTESLQ[Glu158Asp]RFAVLPKCTD

ClinVar aggregate classification (germline): Uncertain significance. Review status: criteria provided, multiple submitters, no conflicts (2 of 4 stars). 2 submissions from 2 submitters: Uncertain significance (2). Last evaluated 2024-05-10.

Conditions:
Hereditary cancer-predisposing syndrome. Also called: Hereditary Cancer Syndrome; Hereditary neoplastic syndrome; Neoplastic Syndromes, Hereditary; Tumor predisposition. Identifiers: Orphanet 140162, MedGen C0027672, MeSH D009386, MONDO:0015356.

Submissions (2):

Ambry Genetics
Classification: Uncertain significance for Hereditary cancer-predisposing syndrome. Last evaluated: 2024-05-10. Review status: criteria provided, single submitter. Criteria: Ambry Variant Classification Scheme 2023. Collection method: clinical testing. Allele origin: germline.
Comment: The p.E158D variant (also known as c.474G>C), located in coding exon 3 of the MSH3 gene, results from a G to C substitution at nucleotide position 474. The glutamic acid at codon 158 is replaced by aspartic acid, an amino acid with highly similar properties. This amino acid position is conserved. In addition, this alteration is predicted to be tolerated by in silico analysis. Since supporting evidence is limited at this time, the clinical significance of this alteration remains unclear.

Labcorp Genetics (formerly Invitae), Labcorp
Classification: Uncertain significance. Last evaluated: 2023-10-23. Review status: criteria provided, single submitter. Criteria: Invitae Variant Classification Sherloc (09022015). Collection method: clinical testing. Allele origin: germline.
Comment: This sequence change replaces glutamic acid, which is acidic and polar, with aspartic acid, which is acidic and polar, at codon 158 of the MSH3 protein (p.Glu158Asp). This variant is not present in population databases (gnomAD no frequency). This variant has not been reported in the literature in individuals affected with MSH3-related conditions. ClinVar contains an entry for this variant (Variation ID: 1742834). An algorithm developed to predict the effect of missense changes on protein structure and function (PolyPhen-2) suggests that this variant is likely to be tolerated. In summary, the available evidence is currently insufficient to determine the role of this variant in disease. Therefore, it has been classified as a Variant of Uncertain Significance.